The following is an entry in ClinVar:

ClinVar aggregate classification (germline): Pathogenic (1 of 4 stars; one submission).

Conditions:
Progressive sclerosing poliodystrophy (MTDPS4A). Also called: ALPERS PROGRESSIVE INFANTILE POLIODYSTROPHY; NEURONAL DEGENERATION OF CHILDHOOD WITH LIVER DISEASE, PROGRESSIVE; Alpers Syndrome; ALPERS DIFFUSE DEGENERATION OF CEREBRAL GRAY MATTER WITH HEPATIC CIRRHOSIS; Alpers-Huttenlocher Syndrome; Mitochondrial DNA depletion syndrome 4A (Alpers type). Identifiers: Orphanet 726, MedGen C0205710, MONDO:0008758, OMIM 203700.

Submission:

Labcorp Genetics (formerly Invitae), Labcorp
Classification: Pathogenic for Progressive sclerosing poliodystrophy. Last evaluated: 2024-09-01. Review status: criteria provided, single submitter. Criteria: Invitae Variant Classification Sherloc (09022015). Collection method: clinical testing. Allele origin: germline.
Comment: This sequence change creates a premature translational stop signal (p.Glu191Argfs*75) in the POLG gene. It is expected to result in an absent or disrupted protein product. Loss-of-function variants in POLG are known to be pathogenic (PMID: 18546365). This variant is not present in population databases (gnomAD no frequency). This variant has not been reported in the literature in individuals affected with POLG-related conditions. For these reasons, this variant has been classified as Pathogenic.

Literature cited by the submitters: PubMed 18546365.

NM_002693.3(POLG):c.570del (p.Glu191fs)

Genes: POLGARF (POLG alternative reading frame; minus strand), POLG (DNA polymerase gamma, catalytic subunit; minus strand). Cytogenetic location: 15q26.1.
Variant type: Deletion.
Coding change: c.570del on transcript NM_002693.3 (MANE Select); coding-DNA position 570, one base deleted (C; older notation c.570delC).
Protein change: p.Glu191fs; shifts the reading frame from glutamic acid 191.
Molecular consequence: frameshift variant.
Genome position (GRCh38, 1-based): chr15:89,333,185, G deleted on the plus strand (C on the coding strand, the reverse complement: POLG is on the minus strand); the first of 4 consecutive G bases (chr15:89,333,185-89,333,188); deleting any one gives the same sequence. VCF-style (leftmost placement, unchanged base first): chr15-89333184-CG-C. GRCh37 (hg19) VCF-style: chr15-89876415-CG-C.
Other names: c.625del, p.Arg209fs (NM_001430120.1); c.570del, p.Glu191fs (NM_001126131.2); short protein forms R209fs, E191fs.
Identifiers: ClinVar variation 3664135 (VCV003664135.2).
Genomic context (GRCh38, chr15:89,333,184, plus strand): 5'-ATGTGGGGCAAGTTCCCTCTGCCAAGCAGACCTCCACGTCGAACACCAGGGCCCGCTCCT[CG>C]GGGATGGCCACGGGTACGGCCTCCCCCTCGGGGCCGTACCGGGTCCAGCCCTCCGCCCAG-3'